The following is an entry in ClinVar:

NM_031220.4(PITPNM3):c.1430-6C>A

Gene: PITPNM3 (PITPNM family member 3; minus strand). Cytogenetic location: 17p13.2.
Variant type: single nucleotide variant.
Coding change: c.1430-6C>A on transcript NM_031220.4 (MANE Select); 6 bases into the intron before coding-DNA position 1430, C replaced by A.
Molecular consequence: intron variant.
Genome position (GRCh38, 1-based): chr17:6,471,361, G>T on the plus strand (C>A on the coding strand, the complement: PITPNM3 is on the minus strand). VCF-style: chr17-6471361-G-T. GRCh37 (hg19) VCF-style: chr17-6374681-G-T.
Other names: c.1322-6C>A (NM_001165966.2).
Identifiers: ClinVar variation 1359660 (VCV001359660.8), dbSNP rs764751089, ClinGen allele CA624859404.

ClinVar aggregate classification (germline): Uncertain significance (1 of 4 stars; one submission).

gnomAD v4.1: 3 of 1,580,170 alleles (0.00019%); highest among the groups gnomAD compares: Admixed American, 0.0017%; no homozygotes.

Submission:

Labcorp Genetics (formerly Invitae), Labcorp
Classification: Uncertain significance. Last evaluated: 2022-03-10. Review status: criteria provided, single submitter. Criteria: Invitae Variant Classification Sherloc (09022015). Collection method: clinical testing. Allele origin: germline.
Comment: In summary, the available evidence is currently insufficient to determine the role of this variant in disease. Therefore, it has been classified as a Variant of Uncertain Significance. Algorithms developed to predict the effect of sequence changes on RNA splicing suggest that this variant may create or strengthen a splice site. This variant has not been reported in the literature in individuals affected with PITPNM3-related conditions. The frequency data for this variant in the population databases is considered unreliable, as metrics indicate poor data quality at this position in the gnomAD database. This sequence change falls in intron 11 of the PITPNM3 gene. It does not directly change the encoded amino acid sequence of the PITPNM3 protein.